The following is an entry in ClinVar:

NM_024685.4(BBS10):c.274C>T (p.His92Tyr)

Gene: BBS10 (Bardet-Biedl syndrome 10; minus strand). Cytogenetic location: 12q21.2.
Variant type: single nucleotide variant.
Coding change: c.274C>T on transcript NM_024685.4 (MANE Select); coding-DNA position 274, C replaced by T.
Protein change: p.His92Tyr; replaces histidine 92 with tyrosine.
Molecular consequence: missense variant.
Genome position (GRCh38, 1-based): chr12:76,347,711, G>A on the plus strand (C>T on the coding strand, the complement: BBS10 is on the minus strand). VCF-style: chr12-76347711-G-A. GRCh37 (hg19) VCF-style: chr12-76741491-G-A.
Other names: short protein forms H92Y.
Identifiers: ClinVar variation 5042574 (VCV005042574.1).
Genomic context (GRCh38, chr12:76,347,711, plus strand): 5'-TTTCACACATCAAAGGATCCTTTTCTCTGTCTGTGATTGCATGAAGTCCTCTAAGCAAAT[G>A]GCAAAGAAAGATAATAAATGTTTTTGCACCATCTCCTGTTTTTTTGAGATGACTGGAAAC-3'
Protein context (NP_078961.3, residues 82-102): GAKTFIIFLC[His92Tyr]LLRGLHAITD

ClinVar aggregate classification (germline): Uncertain significance (1 of 4 stars; one submission).

Conditions:
Bardet-Biedl syndrome 10 (BBS10). Identifiers: Orphanet 110, MedGen C1859568, MONDO:0014438, OMIM 615987.

Submission:

UAEU Genomics Laboratory, United Arab Emirates University
Classification: Uncertain significance for Bardet-Biedl syndrome 10. Last evaluated: 2022-02-24. Review status: criteria provided, single submitter. Criteria: ACMG Guidelines, 2015. Collection method: research. Allele origin: germline. Affected: yes. Observed: 1 variant allele.
Comment: PM2, PM1, PP3